The following is an entry in ClinVar:

ClinVar aggregate classification (germline): Uncertain significance (1 of 4 stars; one submission).

Allele frequency attached by ClinVar (database versions not stated): gnomAD exomes 0.00002.

Submission:

Labcorp Genetics (formerly Invitae), Labcorp
Classification: Uncertain significance. Last evaluated: 2025-03-17. Review status: criteria provided, single submitter. Criteria: Invitae Variant Classification Sherloc (09022015). Collection method: clinical testing. Allele origin: germline.
Comment: This sequence change replaces serine, which is neutral and polar, with leucine, which is neutral and non-polar, at codon 37 of the PDP1 protein (p.Ser37Leu). This variant is present in population databases (no rsID available, gnomAD 0.0009%). This variant has not been reported in the literature in individuals affected with PDP1-related conditions. ClinVar contains an entry for this variant (Variation ID: 2070346). An algorithm developed to predict the effect of missense changes on protein structure and function (PolyPhen-2) suggests that this variant is likely to be tolerated. In summary, the available evidence is currently insufficient to determine the role of this variant in disease. Therefore, it has been classified as a Variant of Uncertain Significance.

NM_018444.4(PDP1):c.110C>T (p.Ser37Leu)

Gene: PDP1 (pyruvate dehydrogenase phosphatase catalytic subunit 1; plus strand). Cytogenetic location: 8q22.1.
Variant type: single nucleotide variant.
Coding change: c.110C>T on transcript NM_018444.4 (MANE Select); coding-DNA position 110, C replaced by T.
Protein change: p.Ser37Leu; replaces serine 37 with leucine.
Molecular consequence: missense variant.
Genome position (GRCh38, 1-based): chr8:93,922,169, C>T. VCF-style: chr8-93922169-C-T. GRCh37 (hg19) VCF-style: chr8-94934397-C-T.
Other names: c.185C>T, p.Ser62Leu (NM_001161779.2, NM_001161780.2); c.110C>T, p.Ser37Leu (NM_001161781.2); short protein forms S37L, S62L.
Identifiers: ClinVar variation 2070346 (VCV002070346.4), dbSNP rs1422562484, ClinGen allele CA371690997.